The following is an entry in ClinVar:

ClinVar aggregate classification (germline): Uncertain significance (1 of 4 stars; one submission).

Conditions:
Fanconi anemia complementation group J. Also called: BRIP1-Related Fanconi Anemia. Identifiers: Orphanet 84, MedGen C1836860, MONDO:0012187, OMIM 609054.
Familial cancer of breast. Also called: BREAST CANCER, FAMILIAL; hereditary breast carcinoma; Hereditary breast cancer. Identifiers: Orphanet 227535, MedGen C0346153, MONDO:0016419, OMIM 114480. Disease mechanism: loss of function.

Submission:

Labcorp Genetics (formerly Invitae), Labcorp
Classification: Uncertain significance for Familial cancer of breast; Fanconi anemia complementation group J. Last evaluated: 2017-05-10. Review status: criteria provided, single submitter. Criteria: Invitae Variant Classification Sherloc (09022015). Collection method: clinical testing. Allele origin: germline.
Comment: This variant, c.3277delinsTTCAGAA, is a complex sequence change that results in the deletion of 1 amino acid and insertion of 3 amino acids of the BRIP1 protein (p.Leu1093delinsPheArgIle). This variant is not present in population databases (ExAC no frequency) and has not been reported in the literature in individuals with a BRIP1-related disease. Experimental studies and prediction algorithms are not available for this variant, and the functional significance of the replaced amino acids is currently unknown. In summary, this variant is a novel complex change with uncertain impact on protein function. It has been classified as a Variant of Uncertain Significance.

NC_000017.11:g.61683769delinsTTCTGAA

Gene: BRIP1 (BRCA1 interacting DNA helicase 1; minus strand). Cytogenetic location: 17q23.2.
Variant type: Indel.
Genome position: GRCh38 VCF-style: chr17-61683769-G-TTCTGAA. GRCh37 (hg19) VCF-style: chr17-59761130-G-TTCTGAA.
Other names: c.3277delinsTTCAGAA, p.Leu1093delinsPheArgIle (LRG_300t1).
Identifiers: ClinVar variation 461144 (VCV000461144.2), dbSNP rs1555572724, ClinGen allele CA658658650.
Genomic context (GRCh38, chr17:61,683,769, plus strand): 5'-TATCTTCTTCACTTACTAGAGACAATTCAATGTCTGGATCCAGGGCTTCTTCAGAACAGA[G>TTCTGAA]CGGATGTTCAGAATGATTTTTTCTAGTAAGGGTGGCATCAATCTTTAATGATGAAATAAT-3'